The following is an entry in ClinVar:

NM_007294.4(BRCA1):c.2517_2518del (p.His839fs)

Gene: BRCA1 (BRCA1 DNA repair associated; minus strand). Cytogenetic location: 17q21.31.
Variant type: Microsatellite.
Coding change: c.2517_2518del on transcript NM_007294.4 (MANE Select); coding-DNA positions 2517 to 2518, 2 bases deleted (CA; older notation c.2517_2518delCA).
Protein change: p.His839fs; shifts the reading frame from histidine 839.
Molecular consequence: frameshift variant. On other transcripts: intron variant (137).
Genome position (GRCh38, 1-based): chr17:43,093,013-43,093,014, TG deleted on the plus strand (CA on the coding strand, the reverse complement: BRCA1 is on the minus strand); deleting any 2 consecutive bases within chr17:43,093,013-43,093,016 gives the same sequence; the c. name uses the placement nearest the transcript's 3' end. VCF-style (leftmost placement, unchanged base first): chr17-43093012-CTG-C. GRCh37 (hg19) VCF-style: chr17-41245029-CTG-C.
Other names: 2636delCA; c.2517_2518delCA (NM_007294.3); c.2304_2305del, p.His768fs (NM_001407571.1, NM_001407853.1, NM_001407894.1 and 9 more transcripts); c.2517_2518del, p.His839fs (NM_001407581.1, NM_001407582.1, NM_001407583.1 and 30 more transcripts); c.2514_2515del, p.His838fs (NM_001407587.1, NM_001407590.1, NM_001407591.1 and 22 more transcripts); c.2508_2509del, p.His836fs (NM_001407646.1, NM_001407647.1); c.2394_2395del, p.His798fs (NM_001407648.1, NM_001407664.1, NM_001407665.1 and 19 more transcripts); c.2391_2392del, p.His797fs (NM_001407649.1, NM_001407670.1, NM_001407671.1 and 11 more transcripts); and 43 more; short protein forms H792fs, H839fs, H543fs, H711fs, H812fs, H671fs, H728fs, H836fs.
Identifiers: ClinVar variation 54589 (VCV000054589.21), dbSNP rs397508974, ClinGen allele CA001665.
Genomic context (GRCh38, chr17:43,093,012, plus strand): 5'-GTATTCTGCAAATACTGAGCATCAAGTTCACTTTCTTCCATTTCTATGCTTGTTTCCCGA[CTG>C]TGGTTAACTTCATGTCCCAATGGATACTTAAAGCCTTCTGTGTCATTTCTATTATCTTTG-3'

ClinVar aggregate classification (germline): Pathogenic. Review status: reviewed by expert panel (3 of 4 stars). 9 submissions from 9 submitters: Pathogenic (1). 8 of the submissions do not count toward it. Last evaluated 2016-09-08.

Conditions:
Hereditary cancer-predisposing syndrome. Also called: Tumor predisposition; Neoplastic Syndromes, Hereditary; Hereditary Cancer Syndrome; Hereditary neoplastic syndrome. Identifiers: Orphanet 140162, MedGen C0027672, MeSH D009386, MONDO:0015356.
Hereditary breast ovarian cancer syndrome. Also called: Hereditary breast and ovarian cancer syndrome (HBOC); Hereditary breast and ovarian cancer syndrome; Hereditary breast and ovarian cancer; Hereditary breast and/or ovarian cancer syndrome; Breast and ovarian cancer; BRCA1- and BRCA2-Associated Hereditary Breast and Ovarian Cancer. Identifiers: Orphanet 145, MedGen C0677776, MeSH D061325, MONDO:0003582. Disease mechanism: loss of function.
Breast-ovarian cancer, familial, susceptibility to, 1 (BROVCA1). Also called: OVARIAN CANCER, SUSCEPTIBILITY TO; BRCA1 Hereditary Breast and Ovarian Cancer. Identifiers: Orphanet 145, MedGen C2676676, MONDO:0011450, OMIM 604370. Disease mechanism: loss of function.

Submissions (9):

Evidence-based Network for the Interpretation of Germline Mutant Alleles (ENIGMA)
Classification: Pathogenic for Breast-ovarian cancer, familial, susceptibility to, 1. Last evaluated: 2016-09-08. Review status: reviewed by expert panel. Criteria: ENIGMA BRCA1/2 Classification Criteria (2015). Collection method: curation. Allele origin: germline.
Comment: Variant allele predicted to encode a truncated non-functional protein.

Labcorp Genetics (formerly Invitae), Labcorp
Classification: Pathogenic for Hereditary breast ovarian cancer syndrome. Last evaluated: 2025-07-07. Review status: criteria provided, single submitter. Criteria: Invitae Variant Classification Sherloc (09022015). Collection method: clinical testing. Allele origin: germline. Not counted in ClinVar's aggregate classification.
Comment: This sequence change creates a premature translational stop signal (p.His839Glnfs*12) in the BRCA1 gene. It is expected to result in an absent or disrupted protein product. Loss-of-function variants in BRCA1 are known to be pathogenic (PMID: 20104584). This variant is not present in population databases (gnomAD no frequency). This premature translational stop signal has been observed in individual(s) with breast cancer (PMID: 9145678). For these reasons, this variant has been classified as Pathogenic.

Ambry Genetics
Classification: Pathogenic for Hereditary cancer-predisposing syndrome. Last evaluated: 2024-06-21. Review status: criteria provided, single submitter. Criteria: Ambry Variant Classification Scheme 2023. Collection method: clinical testing. Allele origin: germline. Not counted in ClinVar's aggregate classification.
Comment: The c.2517_2518delCA pathogenic mutation, located in coding exon 9 of the BRCA1 gene, results from a deletion of two nucleotides at nucleotide positions 2517 to 2518, causing a translational frameshift with a predicted alternate stop codon (p.H839Qfs*12). This alteration was reported in 2/60,466 breast cancer cases and in 0/53,461 controls (Dorling et al. N Engl J Med. 2021 02;384:428-439). This alteration was also identified in a large, worldwide study of BRCA1/2 mutation positive families (Rebbeck TR et al. Hum Mutat, 2018 05;39:593-620). In addition to the clinical data presented in the literature, this alteration is expected to result in loss of function by premature protein truncation or nonsense-mediated mRNA decay. As such, this alteration is interpreted as a disease-causing mutation.

Color Diagnostics, LLC DBA Color Health
Classification: Pathogenic for Hereditary cancer-predisposing syndrome. Last evaluated: 2024-03-18. Review status: criteria provided, single submitter. Criteria: ACMG Guidelines, 2015. Collection method: clinical testing. Allele origin: germline. Not counted in ClinVar's aggregate classification.
Comment: This variant deletes 2 nucleotides in exon 10/23 of the BRCA1 gene, creating a frameshift and premature translation stop signal. This variant is expected to result in an absent or non-functional protein product. This variant has been reported in a breast cancer case-control meta-analysis in 2/60466 cases and absent in 53461 unaffected individuals (PMID: 33471991 and LOVD DB-ID: BRCA1_003943). This variant has not been identified in the general population by the Genome Aggregation Database (gnomAD). Loss of BRCA1 function is a known mechanism of disease. Based on the available evidence, this variant is classified as Pathogenic.

Women's Health and Genetics/Laboratory Corporation of America, LabCorp
Classification: Pathogenic for Hereditary breast ovarian cancer syndrome. Last evaluated: 2023-12-29. Review status: criteria provided, single submitter. Criteria: LabCorp Variant Classification Summary - May 2015. Collection method: clinical testing. Allele origin: germline. Not counted in ClinVar's aggregate classification.
Comment: Variant summary: BRCA1 c.2517_2518delCA (p.His839GlnfsX12) results in a premature termination codon and is expected to cause absence of the protein due to nonsense mediated decay, a commonly known mechanism for disease. The variant was absent in 251094 control chromosomes (gnomAD). c.2517_2518delCA has been reported in the literature in at least one individual affected with breast cancer who was diagnosed at an early age (e.g. Krainer_1997). These data suggest the variant is very likely associated with disease. The following publication has been ascertained in the context of this evaluation (PMID: 9145678). Six submitters, including the expert panel ENIGMA, have cited clinical-significance assessments for this variant to ClinVar after 2014. All submitters classified the variant as pathogenic. Based on the evidence outlined above, the variant was classified as pathogenic.

GeneDx
Classification: Pathogenic. Last evaluated: 2022-12-29. Review status: criteria provided, single submitter. Criteria: GeneDx Variant Classification Process June 2021. Collection method: clinical testing. Allele origin: germline. Affected: yes. Not counted in ClinVar's aggregate classification.
Comment: Observed in individuals with a personal or family history consistent with pathogenic variants in this gene (Krainer et al., 1997; Dorling et al., 2021); Frameshift variant predicted to result in nonsense mediated decay in a gene for which loss of function is a known mechanism of disease; Truncating variants in this gene are considered pathogenic by a well-established clinical consortium and/or database; Not observed at significant frequency in large population cohorts (gnomAD); Also known as 2636_2637del; This variant is associated with the following publications: (PMID: 29446198, 33471991, 9145678, 32709856, 28569743)

Quest Diagnostics Nichols Institute San Juan Capistrano
Classification: Pathogenic. Last evaluated: 2020-12-04. Review status: criteria provided, single submitter. Criteria: Quest Diagnostics criteria. Collection method: clinical testing. Allele origin: unknown. Not counted in ClinVar's aggregate classification.
Comment: This frameshift variant causes the premature termination of BRCA1 protein synthesis. Therefore, the variant is classified as pathogenic .

Consortium of Investigators of Modifiers of BRCA1/2 (CIMBA), c/o University of Cambridge
Classification: Pathogenic for Breast-ovarian cancer, familial, susceptibility to, 1. Last evaluated: 2015-10-02. Review status: criteria provided, single submitter. Criteria: CIMBA Mutation Classification guidelines May 2016. Collection method: clinical testing. Allele origin: germline. Not counted in ClinVar's aggregate classification.

Sharing Clinical Reports Project (SCRP)
Classification: Pathogenic for Breast-ovarian cancer, familial 1. Last evaluated: 2011-07-15. Review status: no assertion criteria provided. Collection method: clinical testing. Allele origin: germline. Not counted in ClinVar's aggregate classification.

Literature cited by the submitters: PubMed 20104584 (cited by Labcorp Genetics (formerly Invitae), Labcorp); PubMed 9145678 (cited by 3 submitters); PubMed 29446198 (cited by Ambry Genetics); PubMed 33471991 (cited by Ambry Genetics and Color Diagnostics, LLC DBA Color Health); PubMed 32709856 (cited by Quest Diagnostics Nichols Institute San Juan Capistrano).